The following is an entry in ClinVar:

NM_199420.4(POLQ):c.755C>A (p.Ala252Asp)

Gene: POLQ (DNA polymerase theta; minus strand). Cytogenetic location: 3q13.33.
Variant type: single nucleotide variant.
Coding change: c.755C>A on transcript NM_199420.4 (MANE Select); coding-DNA position 755, C replaced by A.
Protein change: p.Ala252Asp; replaces alanine 252 with aspartic acid.
Molecular consequence: missense variant.
Genome position (GRCh38, 1-based): chr3:121,533,195, G>T on the plus strand (C>A on the coding strand, the complement: POLQ is on the minus strand). VCF-style: chr3-121533195-G-T. GRCh37 (hg19) VCF-style: chr3-121252042-G-T.
Other names: short protein forms A252D.
Identifiers: ClinVar variation 1759506 (VCV001759506.2), dbSNP rs2546819798, ClinGen allele CA354126808.
Genomic context (GRCh38, chr3:121,533,195, plus strand): 5'-TCCAAATTAGGAAGGGTAGCACTCATGCCAACGATTTGCACAGCATTAGACAGAGAACTG[G>T]CTAGATCTGCCTGACTGTAAAAAAACAAATGAAAAGAACATTAAAAGATATATAATACAT-3'
Protein context (NP_955452.3, residues 242-262): RKSASCQADL[Ala252Asp]SSLSNAVQIV

ClinVar aggregate classification (germline): Uncertain significance (1 of 4 stars; one submission).

Allele frequency attached by ClinVar (database versions not stated): gnomAD exomes below 0.00001.
gnomAD v4.1: 1 of 1,579,474 alleles (0.000063%); highest among the groups gnomAD compares: Non-Finnish European, 0.000086%; no homozygotes.

Submission:

Ambry Genetics
Classification: Uncertain significance. Last evaluated: 2022-02-05. Review status: criteria provided, single submitter. Criteria: Ambry Variant Classification Scheme 2023. Collection method: clinical testing. Allele origin: germline.
Comment: The p.A252D variant (also known as c.755C>A), located in coding exon 6 of the POLQ gene, results from a C to A substitution at nucleotide position 755. The alanine at codon 252 is replaced by aspartic acid, an amino acid with dissimilar properties. This amino acid position is conserved. In addition, this alteration is predicted to be tolerated by in silico analysis. Since supporting evidence is limited at this time, the clinical significance of this alteration remains unclear.